The following is an entry in ClinVar:

NM_001165963.4(SCN1A):c.1810C>T (p.Arg604Cys)

Gene: SCN1A (sodium voltage-gated channel alpha subunit 1; minus strand). Cytogenetic location: 2q24.3.
Variant type: single nucleotide variant.
Coding change: c.1810C>T on transcript NM_001165963.4 (MANE Select); coding-DNA position 1810, C replaced by T.
Protein change: p.Arg604Cys; replaces arginine 604 with cysteine.
Molecular consequence: missense variant. On other transcripts: 5 prime UTR variant (1), non-coding transcript variant (1).
Genome position (GRCh38, 1-based): chr2:166,043,902, G>A on the plus strand (C>T on the coding strand, the complement: SCN1A is on the minus strand). VCF-style: chr2-166043902-G-A. GRCh37 (hg19) VCF-style: chr2-166900412-G-A.
Other names: p.R604C:CGT>TGT; c.1810C>T, p.Arg604Cys (NM_001165964.3, NM_001202435.3, NM_001353948.2 and 7 more transcripts); c.1807C>T, p.Arg603Cys (NM_001353954.2, NM_001353955.2, NM_001353960.2); c.-616C>T (NM_001353961.2); c.1810C>T (NM_001165963.3); short protein forms R604C, R603C.
Identifiers: ClinVar variation 206775 (VCV000206775.14), dbSNP rs148371904, ClinGen allele CA317265.

ClinVar aggregate classification (germline): Uncertain significance. Review status: criteria provided, multiple submitters, no conflicts (2 of 4 stars). 4 submissions from 4 submitters: Uncertain significance (4). Last evaluated 2026-01-22.

Conditions:
Early-infantile DEE. Also called: Early infantile epileptic encephalopathy; Ohtahara syndrome; Early infantile epileptic encephalopathy with suppression bursts. Identifiers: Orphanet 1934, MedGen C0393706, MONDO:0800491.

Allele frequency attached by ClinVar (database versions not stated): gnomAD exomes 0.00001 and 0.00003; ExAC 0.00002; gnomAD 0.00007; ESP Exome Variant Server 0.00008; TOPMed 0.00009; 1000 Genomes Project 30x 0.00016; 1000 Genomes Project 0.00020.
gnomAD v4.1: 22 of 1,614,090 alleles (0.0014%); highest among the groups gnomAD compares: African/African-American, 0.023%; no homozygotes.

Submissions (4):

Labcorp Genetics (formerly Invitae), Labcorp
Classification: Uncertain significance for Early-infantile DEE. Last evaluated: 2026-01-22. Review status: criteria provided, single submitter. Criteria: Invitae Variant Classification Sherloc (09022015). Collection method: clinical testing. Allele origin: germline.
Comment: This sequence change replaces arginine, which is basic and polar, with cysteine, which is neutral and slightly polar, at codon 604 of the SCN1A protein (p.Arg604Cys). This variant is present in population databases (rs148371904, gnomAD 0.02%). This variant has not been reported in the literature in individuals affected with SCN1A-related conditions. ClinVar contains an entry for this variant (Variation ID: 206775). Invitae Evidence Modeling of protein sequence and biophysical properties (such as structural, functional, and spatial information, amino acid conservation, physicochemical variation, residue mobility, and thermodynamic stability) has been performed for this missense variant. However, the output from this modeling did not meet the statistical confidence thresholds required to predict the impact of this variant on SCN1A protein function. In summary, the available evidence is currently insufficient to determine the role of this variant in disease. Therefore, it has been classified as a Variant of Uncertain Significance.

Revvity Omics, Revvity
Classification: Uncertain significance. Last evaluated: 2022-08-12. Review status: criteria provided, single submitter. Criteria: ACMG Guidelines, 2015. Collection method: clinical testing. Allele origin: germline.

Blueprint Genetics
Classification: Uncertain significance. Last evaluated: 2021-12-09. Review status: criteria provided, single submitter. Criteria: ACMG Guidelines, 2015. Collection method: clinical testing. Allele origin: germline.

GeneDx
Classification: Uncertain significance. Last evaluated: 2021-02-02. Review status: criteria provided, single submitter. Criteria: GeneDx Variant Classification Process June 2021. Collection method: clinical testing. Allele origin: germline. Affected: yes.
Comment: Missense variants in this gene are often considered pathogenic (Stenson et al., 2014); In silico analysis supports that this missense variant has a deleterious effect on protein structure/function; This substitution is predicted to be in the cytoplasmic loop between the first and second homologous domains; Has not been previously published as pathogenic or benign to our knowledge